The following is an entry in ClinVar:

ClinVar aggregate classification (germline): Uncertain significance (1 of 4 stars; one submission).

Conditions:
Familial melanoma. Also called: Hereditary melanoma; Hereditary cutaneous melanoma. Identifiers: Orphanet 618, MedGen C1512419, MONDO:0018961.

Allele frequency attached by ClinVar (database versions not stated): gnomAD exomes below 0.00001.
gnomAD v4.1: 2 of 1,612,846 alleles (0.00012%); highest among the groups gnomAD compares: South Asian, 0.0011%; no homozygotes.

Submission:

Labcorp Genetics (formerly Invitae), Labcorp
Classification: Uncertain significance for Familial melanoma. Last evaluated: 2025-03-02. Review status: criteria provided, single submitter. Criteria: Invitae Variant Classification Sherloc (09022015). Collection method: clinical testing. Allele origin: germline.
Comment: This sequence change replaces methionine, which is neutral and non-polar, with threonine, which is neutral and polar, at codon 207 of the CDK4 protein (p.Met207Thr). This variant is present in population databases (no rsID available, gnomAD 0.003%). This variant has not been reported in the literature in individuals affected with CDK4-related conditions. ClinVar contains an entry for this variant (Variation ID: 845161). Invitae Evidence Modeling of protein sequence and biophysical properties (such as structural, functional, and spatial information, amino acid conservation, physicochemical variation, residue mobility, and thermodynamic stability) indicates that this missense variant is expected to disrupt CDK4 protein function with a positive predictive value of 95%. In summary, the available evidence is currently insufficient to determine the role of this variant in disease. Therefore, it has been classified as a Variant of Uncertain Significance.

NM_000075.4(CDK4):c.620T>C (p.Met207Thr)

Gene: CDK4 (cyclin dependent kinase 4; minus strand). Cytogenetic location: 12q14.1.
Variant type: single nucleotide variant.
Coding change: c.620T>C on transcript NM_000075.4 (MANE Select); coding-DNA position 620, T replaced by C.
Protein change: p.Met207Thr; replaces methionine 207 with threonine.
Molecular consequence: missense variant.
Genome position (GRCh38, 1-based): chr12:57,750,668, A>G on the plus strand (T>C on the coding strand, the complement: CDK4 is on the minus strand). VCF-style: chr12-57750668-A-G. GRCh37 (hg19) VCF-style: chr12-58144451-A-G.
Other names: short protein forms M207T.
Identifiers: ClinVar variation 845161 (VCV000845161.9), dbSNP rs1339920302, ClinGen allele CA385545558.